The following is an entry in ClinVar:

NM_004304.5(ALK):c.2743T>G (p.Trp915Gly)

Gene: ALK (ALK receptor tyrosine kinase; minus strand). Cytogenetic location: 2p23.2.
Variant type: single nucleotide variant.
Coding change: c.2743T>G on transcript NM_004304.5 (MANE Select); coding-DNA position 2743, T replaced by G.
Protein change: p.Trp915Gly; replaces tryptophan 915 with glycine.
Molecular consequence: missense variant.
Genome position (GRCh38, 1-based): chr2:29,228,956, A>C on the plus strand (T>G on the coding strand, the complement: ALK is on the minus strand). VCF-style: chr2-29228956-A-C. GRCh37 (hg19) VCF-style: chr2-29451822-A-C.
Other names: short protein forms W915G.
Identifiers: ClinVar variation 3521690 (VCV003521690.1).
Genomic context (GRCh38, chr2:29,228,956, plus strand): 5'-CGCCTCCTCCACCTGAGGAGCACCCCCCTCCACCCCCTCCGAAACCCCCTCTTGTCTCCC[A>C]CCCCCACTTCTTCATGGCCTGGGGGCAGGAATGTCCTCCGGTGGCACCCTCCTGCAAAGA-3'
Protein context (NP_004295.2, residues 905-925): SCPQAMKKWG[Trp915Gly]ETRGGFGGGG

ClinVar aggregate classification (germline): Uncertain significance (1 of 4 stars; one submission).

Conditions:
Hereditary cancer-predisposing syndrome. Also called: Hereditary Cancer Syndrome; Hereditary neoplastic syndrome; Tumor predisposition; Neoplastic Syndromes, Hereditary. Identifiers: Orphanet 140162, MedGen C0027672, MeSH D009386, MONDO:0015356.

Submission:

Ambry Genetics
Classification: Uncertain significance for Hereditary cancer-predisposing syndrome. Last evaluated: 2024-07-19. Review status: criteria provided, single submitter. Criteria: Ambry Variant Classification Scheme 2023. Collection method: clinical testing. Allele origin: germline.
Comment: The p.W915G variant (also known as c.2743T>G), located in coding exon 16 of the ALK gene, results from a T to G substitution at nucleotide position 2743. The tryptophan at codon 915 is replaced by glycine, an amino acid with highly dissimilar properties. This amino acid position is highly conserved in available vertebrate species. In addition, this alteration is predicted to be deleterious by in silico analysis. Based on the available evidence, the clinical significance of this variant remains unclear.